The following is an entry in ClinVar:

NM_000038.6(APC):c.4891_4894del (p.Ser1631fs)

Gene: APC (APC regulator of Wnt signaling pathway; plus strand). Cytogenetic location: 5q22.2.
Variant type: Deletion.
Coding change: c.4891_4894del on transcript NM_000038.6 (MANE Select); coding-DNA positions 4891 to 4894, 4 bases deleted (AGTT; older notation c.4891_4894delAGTT).
Protein change: p.Ser1631fs; shifts the reading frame from serine 1631.
Molecular consequence: frameshift variant.
Genome position (GRCh38, 1-based): chr5:112,840,485-112,840,488, AGTT deleted; deleting any 4 consecutive bases within chr5:112,840,482-112,840,488 gives the same sequence; the c. name uses the placement nearest the transcript's 3' end. VCF-style (leftmost placement, unchanged base first): chr5-112840481-TGTTA-T. GRCh37 (hg19) VCF-style: chr5-112176178-TGTTA-T.
Other names: c.4891_4894del (NM_000038.5); c.4891_4894del, p.Ser1631fs (NM_001127510.3, NM_001354895.2); c.4837_4840del, p.Ser1613fs (NM_001127511.3); c.4945_4948del, p.Ser1649fs (NM_001354896.2); c.4921_4924del, p.Ser1641fs (NM_001354897.2); c.4816_4819del, p.Ser1606fs (NM_001354898.2); c.4807_4810del, p.Ser1603fs (NM_001354899.2); c.4768_4771del, p.Ser1590fs (NM_001354900.2); and 7 more; short protein forms S1505fs, S1530fs, S1540fs, S1572fs, S1590fs, S1603fs, S1348fs, S1631fs.
Identifiers: ClinVar variation 664418 (VCV000664418.15), dbSNP rs1580653770, ClinGen allele CA891841968.

ClinVar aggregate classification (germline): Pathogenic. Review status: criteria provided, multiple submitters, no conflicts (2 of 4 stars). 5 submissions from 5 submitters: Pathogenic (5). Last evaluated 2023-11-05.

Conditions:
Hereditary cancer-predisposing syndrome. Also called: Tumor predisposition; Hereditary neoplastic syndrome; Neoplastic Syndromes, Hereditary; Hereditary Cancer Syndrome. Identifiers: Orphanet 140162, MedGen C0027672, MeSH D009386, MONDO:0015356.
Familial adenomatous polyposis 1 (FAP1). Also called: POLYPOSIS, ADENOMATOUS INTESTINAL; FAMILIAL ADENOMATOUS POLYPOSIS 1, ATTENUATED. Identifiers: MedGen C2713442, MONDO:0021056, OMIM 175100. Disease mechanism: loss of function.

Submissions (5):

Baylor Genetics
Classification: Pathogenic for Familial adenomatous polyposis 1. Last evaluated: 2023-11-05. Review status: criteria provided, single submitter. Criteria: ACMG Guidelines, 2015. Collection method: clinical testing. Allele origin: unknown.

Myriad Genetics, Inc.
Classification: Pathogenic for Familial adenomatous polyposis 1. Last evaluated: 2023-05-12. Review status: criteria provided, single submitter. Criteria: Myriad Autosomal Dominant, Autosomal Recessive and X-Linked Classification Criteria (2023). Collection method: clinical testing. Allele origin: unknown.
Comment: This variant is considered pathogenic. This variant creates a frameshift predicted to result in premature protein truncation.

GeneDx
Classification: Pathogenic. Last evaluated: 2023-02-21. Review status: criteria provided, single submitter. Criteria: GeneDx Variant Classification Process June 2021. Collection method: clinical testing. Allele origin: germline. Affected: yes.
Comment: Frameshift variant predicted to result in protein truncation in a gene for which loss-of-function is a known mechanism of disease; Not observed at significant frequency in large population cohorts (gnomAD); Also known as c.4888_4891delGTTA; This variant is associated with the following publications: (PMID: 15108288)

Ambry Genetics
Classification: Pathogenic for Hereditary cancer-predisposing syndrome. Last evaluated: 2021-06-09. Review status: criteria provided, single submitter. Criteria: Ambry Variant Classification Scheme 2023. Collection method: clinical testing. Allele origin: germline.
Comment: The c.4891_4894delAGTT pathogenic mutation, located in coding exon 15 of the APC gene, results from a deletion of 4 nucleotides at nucleotide positions 4891 to 4894, causing a translational frameshift with a predicted alternate stop codon (p.S1631Lfs*18). This alteration occurs at the 3' terminus of theAPC gene, is not expected to trigger nonsense-mediated mRNA decay, and impacts the last 1213 amino acids of the protein. However, premature stop codons are typically deleterious in nature and the impacted region is critical for protein function (Ambry internal data). Designated c.4888_4891delGTTA, this alteration was identified in 1/51 unrelated Argentinean probands affected by familial adenomatous polyposis (FAP) (De Rosa M et al. Hum Mutat, 2004 May;23:523-4). Based on the supporting evidence, this alteration is interpreted as a disease-causing mutation.

Labcorp Genetics (formerly Invitae), Labcorp
Classification: Pathogenic for Familial adenomatous polyposis 1. Last evaluated: 2018-09-20. Review status: criteria provided, single submitter. Criteria: Invitae Variant Classification Sherloc (09022015). Collection method: clinical testing. Allele origin: germline.
Comment: For these reasons, this variant has been classified as Pathogenic. A different truncation (p.Tyr2645Lysfs*14) that lies downstream of this variant has been determined to be pathogenic (PMID: 9824584, 1316610, 27081525, 8381579, 22135120, Invitae). This suggests that deletion of this region of the APC protein is causative of disease. This variant is expected to disrupt the EB1 and HDLG binding sites, which mediate interactions with the cytoskeleton (PMID: 15311282, 17293347). While functional studies have not been performed to directly test the effect on APC protein function, this suggests that disruption of the C-terminal portion of the protein is functionally important. This variant has been observed in an individual affected with familial adenomatous polyposis (PMID: 15108288). This variant is also known as c.4888_4891delGTTA in the literature. This variant is not present in population databases (ExAC no frequency). This sequence change results in a premature translational stop signal in the APC gene (p.Ser1631Leufs*18). While this is not anticipated to result in nonsense mediated decay, it is expected to disrupt the last 1231 amino acids of the APC protein.

Literature cited by the submitters: PubMed 15108288 (cited by Ambry Genetics and Labcorp Genetics (formerly Invitae), Labcorp); PubMed 9824584 (cited by Labcorp Genetics (formerly Invitae), Labcorp); PubMed 1316610 (cited by Labcorp Genetics (formerly Invitae), Labcorp); PubMed 27081525 (cited by Labcorp Genetics (formerly Invitae), Labcorp); PubMed 8381579 (cited by Labcorp Genetics (formerly Invitae), Labcorp); PubMed 22135120 (cited by Labcorp Genetics (formerly Invitae), Labcorp); PubMed 15311282 (cited by Labcorp Genetics (formerly Invitae), Labcorp); PubMed 17293347 (cited by Labcorp Genetics (formerly Invitae), Labcorp).